The following is an entry in ClinVar:

ClinVar aggregate classification (germline): Uncertain significance (1 of 4 stars; one submission).

Conditions:
Renal coloboma syndrome (PAPRS). Also called: COLOBOMA OF OPTIC NERVE WITH RENAL DISEASE; OPTIC COLOBOMA, VESICOURETERAL REFLUX, AND RENAL ANOMALIES; OPTIC NERVE COLOBOMA WITH RENAL DISEASE; RENAL-COLOBOMA SYNDROME WITH MACULAR ABNORMALITIES; PAPILLORENAL SYNDROME WITH MILD OCULAR ABNORMALITIES; CONGENITAL ANOMALIES OF THE KIDNEY AND URINARY TRACT WITH OR WITHOUT OCULAR ABNORMALITIES. Identifiers: Orphanet 1475, MedGen C1852759, MONDO:0007352, OMIM 120330.
Focal segmental glomerulosclerosis 7 (FSGS7). Identifiers: Orphanet 656, MedGen C4014925, MONDO:0014451, OMIM 616002.

Allele frequency attached by ClinVar (database versions not stated): gnomAD exomes below 0.00001.
gnomAD v4.1: 1 of 1,613,630 alleles (0.000062%); highest among the groups gnomAD compares: Non-Finnish European, 0.000085%; no homozygotes.

Submission:

Labcorp Genetics (formerly Invitae), Labcorp
Classification: Uncertain significance for Renal coloboma syndrome; Focal segmental glomerulosclerosis 7. Last evaluated: 2022-10-17. Review status: criteria provided, single submitter. Criteria: Invitae Variant Classification Sherloc (09022015). Collection method: clinical testing. Allele origin: germline.
Comment: This sequence change replaces threonine, which is neutral and polar, with isoleucine, which is neutral and non-polar, at codon 375 of the PAX2 protein (p.Thr375Ile). This variant is not present in population databases (gnomAD no frequency). This variant has not been reported in the literature in individuals affected with PAX2-related conditions. Experimental studies and prediction algorithms are not available or were not evaluated, and the functional significance of this variant is currently unknown. In summary, the available evidence is currently insufficient to determine the role of this variant in disease. Therefore, it has been classified as a Variant of Uncertain Significance.

NM_000278.5(PAX2):c.1041C>T (p.Asn347=)

Gene: PAX2 (paired box 2; plus strand). Cytogenetic location: 10q24.31.
Variant type: single nucleotide variant.
Coding change: c.1041C>T on transcript NM_000278.5 (MANE Select); coding-DNA position 1041, C replaced by T.
Protein change: p.Asn347=; no amino-acid change (asparagine 347 retained).
Molecular consequence: synonymous variant. On other transcripts: missense variant (1).
Genome position (GRCh38, 1-based): chr10:100,827,028, C>T. VCF-style: chr10-100827028-C-T. GRCh37 (hg19) VCF-style: chr10-102586785-C-T.
Other names: c.1134C>T, p.Asn378= (NM_001304569.2); c.1110C>T, p.Asn370= (NM_003987.5, NM_003990.5); c.1124C>T, p.Thr375Ile (NM_003988.5); c.1041C>T, p.Asn347= (NM_003989.5); short protein forms T375I.
Identifiers: ClinVar variation 1721765 (VCV001721765.6), dbSNP rs2493235311, ClinGen allele CA378259970.